The following is an entry in ClinVar:

ClinVar aggregate classification (germline): Uncertain significance (1 of 4 stars; one submission).

Conditions:
Emery-Dreifuss muscular dystrophy 5, autosomal dominant (EDMD5). Also called: EMERY-DREIFUSS MUSCULAR DYSTROPHY 5. Identifiers: Orphanet 261, MedGen C2751805, MONDO:0013072, OMIM 612999.

Allele frequency attached by ClinVar (database versions not stated): gnomAD exomes below 0.00001.
gnomAD v4.1: 4 of 1,613,930 alleles (0.00025%); highest among the groups gnomAD compares: Admixed American, 0.0033%; no homozygotes.

Submission:

Labcorp Genetics (formerly Invitae), Labcorp
Classification: Uncertain significance for Emery-Dreifuss muscular dystrophy 5, autosomal dominant. Last evaluated: 2025-10-05. Review status: criteria provided, single submitter. Criteria: Invitae Variant Classification Sherloc (09022015). Collection method: clinical testing. Allele origin: germline.
Comment: This sequence change replaces valine, which is neutral and non-polar, with isoleucine, which is neutral and non-polar, at codon 5504 of the SYNE2 protein (p.Val5504Ile). This variant is present in population databases (no rsID available, gnomAD 0.003%). This variant has not been reported in the literature in individuals affected with SYNE2-related conditions. ClinVar contains an entry for this variant (Variation ID: 538320). An algorithm developed to predict the effect of missense changes on protein structure and function (PolyPhen-2) suggests that this variant is likely to be tolerated. In summary, the available evidence is currently insufficient to determine the role of this variant in disease. Therefore, it has been classified as a Variant of Uncertain Significance.

NM_182914.3(SYNE2):c.16510G>A (p.Val5504Ile)

Gene: SYNE2 (spectrin repeat containing nuclear envelope protein 2; plus strand). Cytogenetic location: 14q23.2.
Variant type: single nucleotide variant.
Coding change: c.16510G>A on transcript NM_182914.3 (MANE Select); coding-DNA position 16510, G replaced by A.
Protein change: p.Val5504Ile; replaces valine 5504 with isoleucine.
Molecular consequence: missense variant.
Genome position (GRCh38, 1-based): chr14:64,165,315, G>A. VCF-style: chr14-64165315-G-A. GRCh37 (hg19) VCF-style: chr14-64632033-G-A.
Other names: c.16510G>A, p.Val5504Ile (NM_015180.6); short protein forms V5504I.
Identifiers: ClinVar variation 538320 (VCV000538320.9), dbSNP rs1405152996, ClinGen allele CA389962345.